The following is an entry in ClinVar:

NM_021939.4(FKBP10):c.346C>T (p.Arg116Cys)

Gene: FKBP10 (FKBP prolyl isomerase 10; plus strand). Cytogenetic location: 17q21.2.
Variant type: single nucleotide variant.
Coding change: c.346C>T on transcript NM_021939.4 (MANE Select); coding-DNA position 346, C replaced by T.
Protein change: p.Arg116Cys; replaces arginine 116 with cysteine.
Molecular consequence: missense variant.
Genome position (GRCh38, 1-based): chr17:41,817,158, C>T. VCF-style: chr17-41817158-C-T. GRCh37 (hg19) VCF-style: chr17-39973410-C-T.
Other names: short protein forms R116C.
Identifiers: ClinVar variation 3031108 (VCV003031108.2), dbSNP rs571063599, ClinGen allele CA8566200.

ClinVar aggregate classification (germline): Uncertain significance (0 of 4 stars; one submission).

Conditions:
FKBP10-related disorder. Also called: FKBP10-related condition.

Allele frequency attached by ClinVar (database versions not stated): TOPMed below 0.00001; ExAC 0.00001.
gnomAD v4.1: 4 of 1,613,998 alleles (0.00025%); highest among the groups gnomAD compares: Admixed American, 0.0017%; no homozygotes.

Submission:

PreventionGenetics, part of Exact Sciences
Classification: Uncertain significance for FKBP10-related condition. Last evaluated: 2023-11-10. Review status: no assertion criteria provided. Collection method: clinical testing. Allele origin: germline.
Comment: The FKBP10 c.346C>T variant is predicted to result in the amino acid substitution p.Arg116Cys. To our knowledge, this variant has not been reported in the literature. This variant is reported in 0.0029% of alleles in individuals of Latino descent in gnomAD. At this time, the clinical significance of this variant is uncertain due to the absence of conclusive functional and genetic evidence.